The following is an entry in ClinVar:

ClinVar aggregate classification (germline): Uncertain significance (1 of 4 stars; one submission).

Allele frequency attached by ClinVar (database versions not stated): gnomAD exomes below 0.00001.
gnomAD v4.1: 1 of 1,614,136 alleles (0.000062%); highest among the groups gnomAD compares: East Asian, 0.0022%; no homozygotes.

Submission:

Labcorp Genetics (formerly Invitae), Labcorp
Classification: Uncertain significance. Last evaluated: 2025-03-18. Review status: criteria provided, single submitter. Criteria: Invitae Variant Classification Sherloc (09022015). Collection method: clinical testing. Allele origin: germline.
Comment: This sequence change replaces threonine, which is neutral and polar, with alanine, which is neutral and non-polar, at codon 87 of the OAS1 protein (p.Thr87Ala). This variant is not present in population databases (gnomAD no frequency). This variant has not been reported in the literature in individuals affected with OAS1-related conditions. ClinVar contains an entry for this variant (Variation ID: 1521008). An algorithm developed to predict the effect of missense changes on protein structure and function (PolyPhen-2) suggests that this variant is likely to be tolerated. In summary, the available evidence is currently insufficient to determine the role of this variant in disease. Therefore, it has been classified as a Variant of Uncertain Significance.

NM_016816.4(OAS1):c.259A>G (p.Thr87Ala)

Gene: OAS1 (2'-5'-oligoadenylate synthetase 1; plus strand). Cytogenetic location: 12q24.13.
Variant type: single nucleotide variant.
Coding change: c.259A>G on transcript NM_016816.4 (MANE Select); coding-DNA position 259, A replaced by G.
Protein change: p.Thr87Ala; replaces threonine 87 with alanine.
Molecular consequence: missense variant.
Genome position (GRCh38, 1-based): chr12:112,908,614, A>G. VCF-style: chr12-112908614-A-G. GRCh37 (hg19) VCF-style: chr12-113346419-A-G.
Other names: c.259A>G, p.Thr87Ala (NM_001032409.3, NM_001320151.2, NM_002534.4); short protein forms T87A.
Identifiers: ClinVar variation 1521008 (VCV001521008.6), dbSNP rs2136295366, ClinGen allele CA386800186.